The following is an entry in ClinVar:

NM_138694.4(PKHD1):c.9901G>T (p.Glu3301Ter)

Gene: PKHD1 (PKHD1 ciliary IPT domain containing fibrocystin/polyductin; minus strand). Cytogenetic location: 6p12.3.
Variant type: single nucleotide variant.
Coding change: c.9901G>T on transcript NM_138694.4 (MANE Select); coding-DNA position 9901, G replaced by T.
Protein change: p.Glu3301Ter; replaces glutamic acid 3301 with a stop codon.
Molecular consequence: nonsense.
Genome position (GRCh38, 1-based): chr6:51,746,818, C>A on the plus strand (G>T on the coding strand, the complement: PKHD1 is on the minus strand). VCF-style: chr6-51746818-C-A. GRCh37 (hg19) VCF-style: chr6-51611616-C-A.
Other names: c.9901G>T, p.Glu3301Ter (NM_170724.3); short protein forms E3301*.
Identifiers: ClinVar variation 370453 (VCV000370453.18), dbSNP rs757099749, ClinGen allele CA3851295.

ClinVar aggregate classification (germline): Pathogenic. Review status: criteria provided, multiple submitters, no conflicts (2 of 4 stars). 5 submissions from 5 submitters: Pathogenic (4). 1 of the submissions does not count toward it. Last evaluated 2025-04-06.

Conditions:
Autosomal recessive polycystic kidney disease (ARPKD). Also called: AR polycystic kidney disease. Identifiers: Orphanet 731, Orphanet 8378, MedGen C0085548, MeSH D017044, MONDO:0009889.
Polycystic kidney disease 4 (PKD4). Also called: POLYCYSTIC KIDNEY DISEASE 4 WITH OR WITHOUT POLYCYSTIC LIVER DISEASE; PKD3; Autosomal Recessive Polycystic Kidney Disease – PKHD1; POLYCYSTIC KIDNEY AND HEPATIC DISEASE 1; POLYCYSTIC KIDNEY DISEASE, INFANTILE, TYPE I. Identifiers: MedGen C4540575, MONDO:0033004, OMIM 263200.

Allele frequency attached by ClinVar (database versions not stated): gnomAD exomes below 0.00001; ExAC 0.00001; TOPMed 0.00001.

Submissions (5):

Natera, Inc.
Classification: Pathogenic for Autosomal recessive polycystic kidney disease. Last evaluated: 2025-04-06. Review status: criteria provided, single submitter. Criteria: Natera Variant Classification Schema (03/2026). Collection method: clinical testing. Allele origin: germline.
Comment: The c.9901G>T variant in PKHD1 is a nonsense variant predicted to introduce a stop codon at amino acid 3301. This variant is expected to result in nonsense mediated decay, truncation, or a dysfunctional protein product. This variant is rare in the general population with a frequency below the threshold expected for the associated phenotype(s). This variant has been observed in one or more individuals affected with the associated recessive disease, as either homozygous or compound heterozygous with a second variant (PMID: 33123899). Given the available evidence, this variant is classified as Pathogenic.

Labcorp Genetics (formerly Invitae), Labcorp
Classification: Pathogenic for Autosomal recessive polycystic kidney disease. Last evaluated: 2023-11-21. Review status: criteria provided, single submitter. Criteria: Invitae Variant Classification Sherloc (09022015). Collection method: clinical testing. Allele origin: germline.
Comment: This sequence change creates a premature translational stop signal (p.Glu3301*) in the PKHD1 gene. It is expected to result in an absent or disrupted protein product. Loss-of-function variants in PKHD1 are known to be pathogenic (PMID: 19940839). This variant is present in population databases (rs757099749, gnomAD 0.006%). This variant has not been reported in the literature in individuals affected with PKHD1-related conditions. ClinVar contains an entry for this variant (Variation ID: 370453). For these reasons, this variant has been classified as Pathogenic.

Fulgent Genetics
Classification: Pathogenic for Polycystic kidney disease 4. Last evaluated: 2021-08-13. Review status: criteria provided, single submitter. Criteria: ACMG Guidelines, 2015. Collection method: clinical testing. Allele origin: unknown.

Juno Genomics, Hangzhou Juno Genomics, Inc
Classification: Pathogenic for Polycystic kidney disease 4. Review status: criteria provided, single submitter. Criteria: ACMG Guidelines, 2015. Collection method: clinical testing. Allele origin: germline.
Comment: Absent from controls (or at extremely low frequency if recessive) in Genome Aggregation Database.;Null variant in a gene where loss of function (LOF) is a known mechanism of disease.;For recessive disorders, detected in trans with a pathogenic variant.;Patient's phenotype or family history is highly specific for a disease with a single genetic etiology.

Counsyl
Classification: Likely pathogenic for Polycystic kidney disease 4. Last evaluated: 2016-02-12. Review status: no assertion criteria provided. Collection method: clinical testing. Allele origin: unknown. Not counted in ClinVar's aggregate classification.

Literature cited by the submitters: PubMed 33123899 (cited by Natera, Inc.); PubMed 19940839 (cited by Labcorp Genetics (formerly Invitae), Labcorp).